The following is an entry in ClinVar:

NM_033238.3(PML):c.1245C>T (p.Asp415=)

Gene: PML (PML nuclear body scaffold; plus strand). Cytogenetic location: 15q24.1.
Variant type: single nucleotide variant.
Coding change: c.1245C>T on transcript NM_033238.3 (MANE Select); coding-DNA position 1245, C replaced by T.
Protein change: p.Asp415=; no amino-acid change (aspartic acid 415 retained).
Molecular consequence: synonymous variant.
Genome position (GRCh38, 1-based): chr15:74,024,918, C>T. VCF-style: chr15-74024918-C-T. GRCh37 (hg19) VCF-style: chr15-74317259-C-T.
Other names: c.1245C>T, p.Asp415= (NM_002675.4, NM_033239.3, NM_033240.3 and 7 more transcripts).
Identifiers: ClinVar variation 3025878 (VCV003025878.22), dbSNP rs760545579, ClinGen allele CA7652527.
Genomic context (GRCh38, chr15:74,024,918, plus strand): 5'-TGCAGCTGTATCCAAGAAAGCCAGCCCAGAGGCTGCCAGCACTCCCAGGGACCCTATTGA[C>T]GTTGACCTGGTGAGATGGGTTTGAGGTCTGAAGGGGTGGTGGTGGGGCCCAGCAGGTCAG-3'
Protein context (NP_150241.2, residues 405-425): EAASTPRDPI[Asp415=]VDLPEEAERV

ClinVar aggregate classification (germline): Likely benign (1 of 4 stars; one submission).

Allele frequency attached by ClinVar (database versions not stated): TOPMed 0.00001; ExAC 0.00002; gnomAD exomes 0.00003.

Submission:

CeGaT Center for Human Genetics Tuebingen
Classification: Likely benign. Last evaluated: 2024-02-01. Review status: criteria provided, single submitter. Criteria: CeGaT Center For Human Genetics Tuebingen Variant Classification Criteria Version 2. Collection method: clinical testing. Allele origin: germline. Affected: yes. Observed: 1 variant allele.
Comment: PML: BP4, BP7